The following is an entry in ClinVar:

ClinVar aggregate classification (germline): Uncertain significance (1 of 4 stars; one submission).

Allele frequency attached by ClinVar (database versions not stated): TOPMed below 0.00001.

Submission:

Labcorp Genetics (formerly Invitae), Labcorp
Classification: Uncertain significance. Last evaluated: 2025-03-17. Review status: criteria provided, single submitter. Criteria: Invitae Variant Classification Sherloc (09022015). Collection method: clinical testing. Allele origin: germline.
Comment: This sequence change replaces glycine, which is neutral and non-polar, with aspartic acid, which is acidic and polar, at codon 466 of the CAPN5 protein (p.Gly466Asp). This variant is not present in population databases (gnomAD no frequency). This variant has not been reported in the literature in individuals affected with CAPN5-related conditions. ClinVar contains an entry for this variant (Variation ID: 939812). Invitae Evidence Modeling of protein sequence and biophysical properties (such as structural, functional, and spatial information, amino acid conservation, physicochemical variation, residue mobility, and thermodynamic stability) indicates that this missense variant is expected to disrupt CAPN5 protein function with a positive predictive value of 80%. In summary, the available evidence is currently insufficient to determine the role of this variant in disease. Therefore, it has been classified as a Variant of Uncertain Significance.

NM_004055.5(CAPN5):c.1397G>A (p.Gly466Asp)

Gene: CAPN5 (calpain 5; plus strand). Cytogenetic location: 11q13.5.
Variant type: single nucleotide variant.
Coding change: c.1397G>A on transcript NM_004055.5 (MANE Select); coding-DNA position 1397, G replaced by A.
Protein change: p.Gly466Asp; replaces glycine 466 with aspartic acid.
Molecular consequence: missense variant.
Genome position (GRCh38, 1-based): chr11:77,120,819, G>A. VCF-style: chr11-77120819-G-A. GRCh37 (hg19) VCF-style: chr11-76831865-G-A.
Other names: short protein forms G466D.
Identifiers: ClinVar variation 939812 (VCV000939812.9), dbSNP rs1950514489, ClinGen allele CA381943201.
Genomic context (GRCh38, chr11:77,120,819, plus strand): 5'-CCGCCAGCTCCATCTACATCAACTCACGCAGCGTCTTCCTGCGCACCGACCAGCCCGAGG[G>A]CCGCTATGTCATCATCCCCACAACCTTCGAGCCAGGCCACACTGGCGAGTTCCTGCTCCG-3'
Protein context (NP_004046.2, residues 456-476): SVFLRTDQPE[Gly466Asp]RYVIIPTTFE